The following is an entry in ClinVar:

ClinVar aggregate classification (germline): Uncertain significance (1 of 4 stars; one submission).

gnomAD v4.1: 1 of 1,614,058 alleles (0.000062%); highest among the groups gnomAD compares: Non-Finnish European, 0.000085%; no homozygotes.

Submission:

GeneDx
Classification: Uncertain significance. Last evaluated: 2025-03-12. Review status: criteria provided, single submitter. Criteria: GeneDx Variant Classification Process June 2021. Collection method: clinical testing. Allele origin: germline. Affected: yes.
Comment: Not observed at significant frequency in large population cohorts (gnomAD); In silico analysis supports that this missense variant has a deleterious effect on protein structure/function; Has not been previously published as pathogenic or benign to our knowledge

NM_016239.4(MYO15A):c.5147T>G (p.Leu1716Arg)

Gene: MYO15A (myosin XVA; plus strand). Cytogenetic location: 17p11.2.
Variant type: single nucleotide variant.
Coding change: c.5147T>G on transcript NM_016239.4 (MANE Select); coding-DNA position 5147, T replaced by G.
Protein change: p.Leu1716Arg; replaces leucine 1716 with arginine.
Molecular consequence: missense variant.
Genome position (GRCh38, 1-based): chr17:18,139,547, T>G. VCF-style: chr17-18139547-T-G. GRCh37 (hg19) VCF-style: chr17-18042861-T-G.
Other names: short protein forms L1716R.
Identifiers: ClinVar variation 4083197 (VCV004083197.1).